The following is an entry in ClinVar:

ClinVar aggregate classification (germline): Uncertain significance (1 of 4 stars; one submission).

Conditions:
Inborn genetic diseases. Identifiers: MedGen C0950123, MeSH D030342.

Submission:

Ambry Genetics
Classification: Uncertain significance for Inborn genetic diseases. Last evaluated: 2025-11-01. Review status: criteria provided, single submitter. Criteria: Ambry Variant Classification Scheme 2023. Collection method: clinical testing. Allele origin: germline.
Comment: The p.F685S variant (also known as c.2054T>C), located in coding exon 16 of the BUB1B gene, results from a T to C substitution at nucleotide position 2054. The phenylalanine at codon 685 is replaced by serine, an amino acid with highly dissimilar properties. This amino acid position is conserved. In addition, this alteration is predicted to be tolerated by in silico analysis. Based on the available evidence, the clinical significance of this variant remains unclear.

NM_001211.6(BUB1B):c.2054T>C (p.Phe685Ser)

Gene: BUB1B (BUB1 mitotic checkpoint serine/threonine kinase B; plus strand). Cytogenetic location: 15q15.1.
Variant type: single nucleotide variant.
Coding change: c.2054T>C on transcript NM_001211.6 (MANE Select); coding-DNA position 2054, T replaced by C.
Protein change: p.Phe685Ser; replaces phenylalanine 685 with serine.
Molecular consequence: missense variant.
Genome position (GRCh38, 1-based): chr15:40,208,681, T>C. VCF-style: chr15-40208681-T-C. GRCh37 (hg19) VCF-style: chr15-40500882-T-C.
Other names: short protein forms F685S.
Identifiers: ClinVar variation 4600485 (VCV004600485.1).